The following is an entry in ClinVar:

NM_000718.4(CACNA1B):c.6589C>T (p.Pro2197Ser)

Gene: CACNA1B (calcium voltage-gated channel subunit alpha1 B; plus strand). Cytogenetic location: 9q34.3.
Variant type: single nucleotide variant.
Coding change: c.6589C>T on transcript NM_000718.4 (MANE Select); coding-DNA position 6589, C replaced by T.
Protein change: p.Pro2197Ser; replaces proline 2197 with serine.
Molecular consequence: missense variant. On other transcripts: intron variant (1).
Genome position (GRCh38, 1-based): chr9:138,121,568, C>T. VCF-style: chr9-138121568-C-T. GRCh37 (hg19) VCF-style: chr9-141016020-C-T.
Other names: c.6490-88C>T (NM_001243812.2); short protein forms P2197S.
Identifiers: ClinVar variation 5037047 (VCV005037047.1).

ClinVar aggregate classification (germline): Uncertain significance (1 of 4 stars; one submission).

gnomAD v4.1: 3 of 1,609,842 alleles (0.00019%); highest among the groups gnomAD compares: Non-Finnish European, 0.00025%; no homozygotes.

Submission:

GeneDx
Classification: Uncertain significance. Last evaluated: 2026-04-17. Review status: criteria provided, single submitter. Criteria: GeneDx Variant Classification Process June 2021. Collection method: clinical testing. Allele origin: germline.
Comment: Not observed at significant frequency in large population cohorts (gnomAD); In silico analysis supports that this missense variant has a deleterious effect on protein structure/function; Has not been previously published as pathogenic or benign to our knowledge